The following is an entry in ClinVar:

ClinVar aggregate classification (germline): Uncertain significance (1 of 4 stars; one submission).

Conditions:
Cowden syndrome 6 (CWS6). Identifiers: Orphanet 201, MedGen C3554519, MONDO:0014048, OMIM 615109.

Submission:

Labcorp Genetics (formerly Invitae), Labcorp
Classification: Uncertain significance for Cowden syndrome 6. Last evaluated: 2024-07-31. Review status: criteria provided, single submitter. Criteria: Invitae Variant Classification Sherloc (09022015). Collection method: clinical testing. Allele origin: germline.
Comment: This sequence change replaces cysteine, which is neutral and slightly polar, with tyrosine, which is neutral and polar, at codon 460 of the AKT1 protein (p.Cys460Tyr). This variant is not present in population databases (gnomAD no frequency). This variant has not been reported in the literature in individuals affected with AKT1-related conditions. An algorithm developed to predict the effect of missense changes on protein structure and function (PolyPhen-2) suggests that this variant is likely to be tolerated. In summary, the available evidence is currently insufficient to determine the role of this variant in disease. Therefore, it has been classified as a Variant of Uncertain Significance.

NM_001382430.1(AKT1):c.1379G>A (p.Cys460Tyr)

Gene: AKT1 (AKT serine/threonine kinase 1; minus strand). Cytogenetic location: 14q32.33.
Variant type: single nucleotide variant.
Coding change: c.1379G>A on transcript NM_001382430.1 (MANE Select); coding-DNA position 1379, G replaced by A.
Protein change: p.Cys460Tyr; replaces cysteine 460 with tyrosine.
Molecular consequence: missense variant.
Genome position (GRCh38, 1-based): chr14:104,770,405, C>T on the plus strand (G>A on the coding strand, the complement: AKT1 is on the minus strand). VCF-style: chr14-104770405-C-T. GRCh37 (hg19) VCF-style: chr14-105236742-C-T.
Other names: c.1379G>A, p.Cys460Tyr (NM_001014431.2, NM_001014432.2, NM_001382431.1 and 3 more transcripts); short protein forms C460Y.
Identifiers: ClinVar variation 3677440 (VCV003677440.2).